The following is an entry in ClinVar:

NM_001256627.2(BRSK2):c.1288-252G>A

Gene: BRSK2 (BR serine/threonine kinase 2; plus strand). Cytogenetic location: 11p15.5.
Variant type: single nucleotide variant.
Coding change: c.1288-252G>A on transcript NM_001256627.2 (MANE Select); 252 bases into the intron before coding-DNA position 1288, G replaced by A.
Molecular consequence: intron variant.
Genome position (GRCh38, 1-based): chr11:1,450,335, G>A. VCF-style: chr11-1450335-G-A. GRCh37 (hg19) VCF-style: chr11-1471565-G-A.
Other names: c.1288-252G>A (NM_001256629.2, NM_003957.4); c.1108-252G>A (NM_001282218.2); c.1426-252G>A (NM_001256630.1).
Identifiers: ClinVar variation 2641331 (VCV002641331.24), dbSNP rs372929183, ClinGen allele CA216134500.

ClinVar aggregate classification (germline): Likely benign (1 of 4 stars; one submission).

Allele frequency attached by ClinVar (database versions not stated): TOPMed 0.00026; gnomAD 0.00061; 1000 Genomes Project 30x 0.00390; 1000 Genomes Project 0.00499.
gnomAD v4.1: 92 of 152,024 alleles (0.061%); highest among the groups gnomAD compares: South Asian, 1.2%; 2 homozygotes.

Submission:

CeGaT Center for Human Genetics Tuebingen
Classification: Likely benign. Last evaluated: 2023-04-01. Review status: criteria provided, single submitter. Criteria: CeGaT Center For Human Genetics Tuebingen Variant Classification Criteria Version 2. Collection method: clinical testing. Allele origin: germline. Affected: yes. Observed: 2 variant alleles.
Comment: BRSK2: BS1